The following is an entry in ClinVar:

ClinVar aggregate classification (germline): Pathogenic. Review status: criteria provided, single submitter (1 of 4 stars). 2 submissions from 2 submitters: Pathogenic (1). 1 of the submissions does not count toward it. Last evaluated 2021-05-12.

Conditions:
Deficiency of galactokinase. Also called: GALACTOSEMIA II; Galactokinase deficiency with cataracts. Identifiers: Orphanet 352, Orphanet 79237, MedGen C0268155, MONDO:0009255, OMIM 230200.

Submissions (2):

Labcorp Genetics (formerly Invitae), Labcorp
Classification: Pathogenic for Deficiency of galactokinase. Last evaluated: 2021-05-12. Review status: criteria provided, single submitter. Criteria: Invitae Variant Classification Sherloc (09022015). Collection method: clinical testing. Allele origin: germline.
Comment: This sequence change results in a frameshift in the GALK1 gene (p.Val338Glyfs*65). While this is not anticipated to result in nonsense mediated decay, it is expected to disrupt the last 55 amino acid(s) of the GALK1 protein and extend the protein by 9 additional amino acid residues. This variant is not present in population databases (ExAC no frequency). This variant has been observed in individual(s) with GALK1-related conditions (PMID: 10790206). ClinVar contains an entry for this variant (Variation ID: 551344). This variant disrupts the C-terminus of the GALK1 protein. Other variant(s) that disrupt this region (p.Pro362Trpfs*37) have been determined to be pathogenic (Invitae). This suggests that variants that disrupt this region of the protein are likely to be causative of disease. For these reasons, this variant has been classified as Pathogenic.

Counsyl
Classification: Uncertain significance for Deficiency of galactokinase. Last evaluated: 2017-10-09. Review status: no assertion criteria provided. Collection method: clinical testing. Allele origin: unknown. Not counted in ClinVar's aggregate classification.

Literature cited by the submitters: PubMed 10790206 (cited by Labcorp Genetics (formerly Invitae), Labcorp and Counsyl).

NM_000154.2(GALK1):c.1012dup (p.Val338fs)

Gene: GALK1 (galactokinase 1; minus strand). Cytogenetic location: 17q25.1.
Variant type: Duplication.
Coding change: c.1012dup on transcript NM_000154.2 (MANE Select); coding-DNA position 1012, one base duplicated (G; older notation c.1012dupG).
Protein change: p.Val338fs; shifts the reading frame from valine 338.
Molecular consequence: frameshift variant.
Genome position (GRCh38, 1-based): chr17:75,758,305, C duplicated on the plus strand (G on the coding strand, the reverse complement: GALK1 is on the minus strand); the first of 4 consecutive C bases (chr17:75,758,305-75,758,308); duplicating any one gives the same sequence. VCF-style (leftmost placement, unchanged base first): chr17-75758304-A-AC. GRCh37 (hg19) VCF-style: chr17-73754385-A-AC.
Other names: c.1012dupG (NM_000154.1); short protein forms V338fs.
Identifiers: ClinVar variation 551344 (VCV000551344.10), dbSNP rs1555747776, ClinGen allele CA658824877.